The following is an entry in ClinVar:

NM_001110556.2(FLNA):c.2280+399G>C

Gene: FLNA (filamin A; minus strand). Cytogenetic location: Xq28.
Variant type: single nucleotide variant.
Coding change: c.2280+399G>C on transcript NM_001110556.2 (MANE Select); 399 bases into the intron after coding-DNA position 2280, G replaced by C.
Molecular consequence: intron variant.
Genome position (GRCh38, 1-based): chrX:154,363,623, C>G on the plus strand (G>C on the coding strand, the complement: FLNA is on the minus strand). VCF-style: chrX-154363623-C-G. GRCh37 (hg19) VCF-style: chrX-153591991-C-G.
Other names: c.2280+399G>C (NM_001456.4).
Identifiers: ClinVar variation 3036433 (VCV003036433.2), dbSNP rs782807634, ClinGen allele CA337282126.

ClinVar aggregate classification (germline): Likely benign (0 of 4 stars; one submission).

Conditions:
FLNA-related disorder.

Allele frequency attached by ClinVar (database versions not stated): TOPMed 0.00010; gnomAD 0.00011; 1000 Genomes Project 30x 0.00021; 1000 Genomes Project 0.00026.
gnomAD v4.1: 12 of 108,751 alleles (0.011%); highest among the groups gnomAD compares: East Asian, 0.029%; no homozygotes.

Submission:

PreventionGenetics, part of Exact Sciences
Classification: Likely benign for FLNA-related condition. Last evaluated: 2023-01-12. Review status: no assertion criteria provided. Collection method: clinical testing. Allele origin: germline.
Comment: This variant is classified as likely benign based on ACMG/AMP sequence variant interpretation guidelines (Richards et al. 2015 PMID: 25741868, with internal and published modifications).